The following is an entry in ClinVar:

ClinVar aggregate classification (germline): Conflicting classifications of pathogenicity. Review status: criteria provided, conflicting classifications (1 of 4 stars). 4 submissions from 4 submitters: Likely pathogenic (1); Uncertain significance (3). Last evaluated 2023-03-22.

Conditions:
Glycogen storage disease IV, classic hepatic. Also called: GSD IV, CLASSIC HEPATIC. Identifiers: MedGen C1856301.
Glycogen storage disease, type IV (GSD4). Also called: GBE1 DEFICIENCY; GLYCOGEN BRANCHING ENZYME DEFICIENCY; GLYCOGENOSIS IV; GSD IV; AMYLOPECTINOSIS; ANDERSEN DISEASE. Identifiers: Orphanet 367, MedGen C0017923, MONDO:0009292, OMIM 232500.
Adult polyglucosan body disease (APBN). Also called: POLYGLUCOSAN BODY DISEASE, ADULT FORM; GBE1-Adult Polyglucosan Body Disease. Identifiers: Orphanet 206583, MedGen C1849722, MONDO:0009897, OMIM 263570.

Allele frequency attached by ClinVar (database versions not stated): gnomAD exomes below 0.00001.
gnomAD v4.1: 2 of 1,608,036 alleles (0.00012%); highest among the groups gnomAD compares: Admixed American, 0.0034%; no homozygotes.

Submissions (4):

Labcorp Genetics (formerly Invitae), Labcorp
Classification: Likely pathogenic for Glycogen storage disease, type IV; Glycogen storage disease IV, classic hepatic. Last evaluated: 2023-03-22. Review status: criteria provided, single submitter. Criteria: Invitae Variant Classification Sherloc (09022015). Collection method: clinical testing. Allele origin: germline.
Comment: In summary, the currently available evidence indicates that the variant is pathogenic, but additional data are needed to prove that conclusively. Therefore, this variant has been classified as Likely Pathogenic. This missense change has been observed in individual(s) with glycogen storage disease IV (PMID: 20058079). This variant is present in population databases (no rsID available, gnomAD 0.003%). This sequence change replaces methionine, which is neutral and non-polar, with threonine, which is neutral and polar, at codon 495 of the GBE1 protein (p.Met495Thr). ClinVar contains an entry for this variant (Variation ID: 1341388). Advanced modeling of protein sequence and biophysical properties (such as structural, functional, and spatial information, amino acid conservation, physicochemical variation, residue mobility, and thermodynamic stability) performed at Invitae indicates that this missense variant is expected to disrupt GBE1 protein function.

Broad Center for Mendelian Genomics, Broad Institute of MIT and Harvard
Classification: Uncertain significance for Glycogen storage disease, type IV. Last evaluated: 2022-01-27. Review status: criteria provided, single submitter. Criteria: ACMG Guidelines, 2015. Collection method: curation. Allele origin: germline. Inheritance: Autosomal recessive inheritance.
Comment: The p.Met495Thr variant in GBE1 has been reported in 1 individual, in the compound heterozygous state, with glycogen storage disease type IV (GSD IV) (PMID: 20058079) and has been identified in 0.003% (1/32556) of Latino/Admixed American chromosomes by the Genome Aggregation Database (gnomAD; dbSNP ID: rs1456579860). Although this variant has been seen in the general population in a heterozygous state, its frequency is low enough to be consistent with a recessive carrier frequency. Computational prediction tools and conservation analyses suggest that this variant may impact the protein, though this information is not predictive enough to determine pathogenicity. In summary, the clinical significance of the p.Met495Thr variant is uncertain. ACMG/AMP Criteria applied: PP3, PM2_supporting (Richards 2015).

Revvity Omics, Revvity
Classification: Uncertain significance. Last evaluated: 2021-11-04. Review status: criteria provided, single submitter. Criteria: ACMG Guidelines, 2015. Collection method: clinical testing. Allele origin: germline.

Fulgent Genetics
Classification: Uncertain significance for Glycogen storage disease, type IV; Adult polyglucosan body disease. Last evaluated: 2021-07-22. Review status: criteria provided, single submitter. Criteria: ACMG Guidelines, 2015. Collection method: clinical testing. Allele origin: unknown.

Literature cited by the submitters: PubMed 20058079 (cited by Labcorp Genetics (formerly Invitae), Labcorp).

NM_000158.4(GBE1):c.1484T>C (p.Met495Thr)

Gene: GBE1 (1,4-alpha-glucan branching enzyme 1; minus strand). Cytogenetic location: 3p12.2.
Variant type: single nucleotide variant.
Coding change: c.1484T>C on transcript NM_000158.4 (MANE Select); coding-DNA position 1484, T replaced by C.
Protein change: p.Met495Thr; replaces methionine 495 with threonine.
Molecular consequence: missense variant.
Genome position (GRCh38, 1-based): chr3:81,578,059, A>G on the plus strand (T>C on the coding strand, the complement: GBE1 is on the minus strand). VCF-style: chr3-81578059-A-G. GRCh37 (hg19) VCF-style: chr3-81627210-A-G.
Other names: NM_000158.4:c.1484T>C; short protein forms M495T.
Identifiers: ClinVar variation 1341388 (VCV001341388.8), dbSNP rs1456579860, ClinGen allele CA353684841.